The following is an entry in ClinVar:

ClinVar aggregate classification (germline): Conflicting classifications of pathogenicity. Review status: criteria provided, conflicting classifications (1 of 4 stars). 4 submissions from 4 submitters: Uncertain significance (2); Likely benign (1). 1 of the submissions does not count toward it. Last evaluated 2025-08-27.

Conditions:
Autosomal recessive osteopetrosis 1. Also called: ALBERS-SCHONBERG DISEASE, AUTOSOMAL RECESSIVE; TCIRG1-Related Osteopetrosis; TCIRG1-Related Autosomal Recessive Osteopetrosis. Identifiers: Orphanet 667, MedGen C1850127, MONDO:0009815, OMIM 259700.
Inborn genetic diseases. Identifiers: MedGen C0950123, MeSH D030342.

Allele frequency attached by ClinVar (database versions not stated): gnomAD 0.00001; TOPMed 0.00003.
gnomAD v4.1: 18 of 1,598,278 alleles (0.0011%); highest among the groups gnomAD compares: African/African-American, 0.0067%; no homozygotes.

Submissions (4):

Ambry Genetics
Classification: Likely benign for Inborn genetic diseases. Last evaluated: 2025-08-27. Review status: criteria provided, single submitter. Criteria: Ambry Variant Classification Scheme 2023. Collection method: clinical testing. Allele origin: germline.

Labcorp Genetics (formerly Invitae), Labcorp
Classification: Uncertain significance. Last evaluated: 2025-07-01. Review status: criteria provided, single submitter. Criteria: Invitae Variant Classification Sherloc (09022015). Collection method: clinical testing. Allele origin: germline.
Comment: This sequence change replaces alanine, which is neutral and non-polar, with threonine, which is neutral and polar, at codon 331 of the TCIRG1 protein (p.Ala331Thr). The frequency data for this variant in the population databases is considered unreliable, as metrics indicate poor data quality at this position in the gnomAD database. This variant has not been reported in the literature in individuals affected with TCIRG1-related conditions. ClinVar contains an entry for this variant (Variation ID: 991162). Invitae Evidence Modeling of protein sequence and biophysical properties (such as structural, functional, and spatial information, amino acid conservation, physicochemical variation, residue mobility, and thermodynamic stability) indicates that this missense variant is not expected to disrupt TCIRG1 protein function with a negative predictive value of 80%. In summary, the available evidence is currently insufficient to determine the role of this variant in disease. Therefore, it has been classified as a Variant of Uncertain Significance.

Fulgent Genetics
Classification: Uncertain significance for Autosomal recessive osteopetrosis 1. Last evaluated: 2022-01-05. Review status: criteria provided, single submitter. Criteria: ACMG Guidelines, 2015. Collection method: clinical testing. Allele origin: unknown.

Natera, Inc.
Classification: Uncertain significance for Infantile malignant osteopetrosis. Last evaluated: 2020-04-15. Review status: no assertion criteria provided. Collection method: clinical testing. Allele origin: germline. Not counted in ClinVar's aggregate classification.

NM_006019.4(TCIRG1):c.991G>A (p.Ala331Thr)

Gene: TCIRG1 (T cell immune regulator 1, ATPase H+ transporting V0 subunit a3; plus strand). Cytogenetic location: 11q13.2.
Variant type: single nucleotide variant.
Coding change: c.991G>A on transcript NM_006019.4 (MANE Select); coding-DNA position 991, G replaced by A.
Protein change: p.Ala331Thr; replaces alanine 331 with threonine.
Molecular consequence: missense variant.
Genome position (GRCh38, 1-based): chr11:68,044,315, G>A. VCF-style: chr11-68044315-G-A. GRCh37 (hg19) VCF-style: chr11-67811782-G-A.
Other names: c.97G>A, p.Ala33Thr (NM_001351059.2); c.343G>A, p.Ala115Thr (NM_006053.4); c.991G>A (NM_006019.3); short protein forms A115T, A331T, A33T.
Identifiers: ClinVar variation 991162 (VCV000991162.6), dbSNP rs773402451, ClinGen allele CA6146863.